The following is an entry in ClinVar:

NM_024675.4(PALB2):c.552del (p.Ser184fs)

Gene: PALB2 (partner and localizer of BRCA2; minus strand). Cytogenetic location: 16p12.2.
Variant type: Deletion.
Coding change: c.552del on transcript NM_024675.4 (MANE Select); coding-DNA position 552, one base deleted (C; older notation c.552delC).
Protein change: p.Ser184fs; shifts the reading frame from serine 184.
Molecular consequence: frameshift variant.
Genome position (GRCh38, 1-based): chr16:23,635,994, G deleted on the plus strand (C on the coding strand, the reverse complement: PALB2 is on the minus strand). VCF-style (leftmost placement, unchanged base first): chr16-23635993-TG-T. GRCh37 (hg19) VCF-style: chr16-23647314-TG-T.
Other names: c.552delC (NM_024675.3); short protein forms S184fs.
Identifiers: ClinVar variation 410115 (VCV000410115.12), dbSNP rs1060502738, ClinGen allele CA16615120.

ClinVar aggregate classification (germline): Pathogenic. Review status: criteria provided, multiple submitters, no conflicts (2 of 4 stars). 3 submissions from 3 submitters: Pathogenic (3). Last evaluated 2025-07-15.

Conditions:
Hereditary cancer-predisposing syndrome. Also called: Tumor predisposition; Hereditary Cancer Syndrome; Hereditary neoplastic syndrome; Neoplastic Syndromes, Hereditary. Identifiers: Orphanet 140162, MedGen C0027672, MeSH D009386, MONDO:0015356.
Familial cancer of breast. Also called: BREAST CANCER, FAMILIAL; Hereditary breast cancer; hereditary breast carcinoma. Identifiers: Orphanet 227535, MedGen C0346153, MONDO:0016419, OMIM 114480. Disease mechanism: loss of function.

Submissions (3):

Labcorp Genetics (formerly Invitae), Labcorp
Classification: Pathogenic for Familial cancer of breast. Last evaluated: 2025-07-15. Review status: criteria provided, single submitter. Criteria: Invitae Variant Classification Sherloc (09022015). Collection method: clinical testing. Allele origin: germline.
Comment: This sequence change creates a premature translational stop signal (p.Ser184Argfs*9) in the PALB2 gene. It is expected to result in an absent or disrupted protein product. Loss-of-function variants in PALB2 are known to be pathogenic (PMID: 17200668, 17200671, 17200672, 24136930, 25099575). This variant is not present in population databases (gnomAD no frequency). This variant has not been reported in the literature in individuals affected with PALB2-related conditions. ClinVar contains an entry for this variant (Variation ID: 410115). For these reasons, this variant has been classified as Pathogenic.

Myriad Genetics, Inc.
Classification: Pathogenic for Familial cancer of breast. Last evaluated: 2023-09-06. Review status: criteria provided, single submitter. Criteria: Myriad Autosomal Dominant, Autosomal Recessive and X-Linked Classification Criteria (2023). Collection method: clinical testing. Allele origin: unknown.
Comment: This variant is considered pathogenic. This variant creates a frameshift predicted to result in premature protein truncation.

Ambry Genetics
Classification: Pathogenic for Hereditary cancer-predisposing syndrome. Last evaluated: 2023-06-23. Review status: criteria provided, single submitter. Criteria: Ambry Variant Classification Scheme 2023. Collection method: clinical testing. Allele origin: germline.
Comment: The c.552delC pathogenic mutation, located in coding exon 4 of the PALB2 gene, results from a deletion of one nucleotide at nucleotide position 552, causing a translational frameshift with a predicted alternate stop codon (p.S184Rfs*9). This variant is considered to be rare based on population cohorts in the Genome Aggregation Database (gnomAD). This alteration is expected to result in loss of function by premature protein truncation or nonsense-mediated mRNA decay. As such, this alteration is interpreted as a disease-causing mutation.

Literature cited by the submitters: PubMed 17200668 (cited by Labcorp Genetics (formerly Invitae), Labcorp); PubMed 17200671 (cited by Labcorp Genetics (formerly Invitae), Labcorp); PubMed 17200672 (cited by Labcorp Genetics (formerly Invitae), Labcorp); PubMed 24136930 (cited by Labcorp Genetics (formerly Invitae), Labcorp); PubMed 25099575 (cited by Labcorp Genetics (formerly Invitae), Labcorp).